The following is an entry in ClinVar:

NM_181523.3(PIK3R1):c.836+2T>C

Gene: PIK3R1 (phosphoinositide-3-kinase regulatory subunit 1; plus strand). Cytogenetic location: 5q13.1.
Variant type: single nucleotide variant.
Coding change: c.836+2T>C on transcript NM_181523.3 (MANE Select); the canonical splice donor site of the intron after coding-DNA position 836, T replaced by C.
Molecular consequence: splice donor variant.
Genome position (GRCh38, 1-based): chr5:68,280,731, T>C. VCF-style: chr5-68280731-T-C. GRCh37 (hg19) VCF-style: chr5-67576559-T-C.
Identifiers: ClinVar variation 3759914 (VCV003759914.2).

ClinVar aggregate classification (germline): Likely pathogenic (1 of 4 stars; one submission).

Conditions:
Agammaglobulinemia 7, autosomal recessive (AGM7). Also called: AGAMMAGLOBULINEMIA, AUTOSOMAL RECESSIVE, DUE TO PIK3R1 DEFECT. Identifiers: MedGen C3554689, MONDO:0014083, OMIM 615214.
Immunodeficiency 36 with lymphoproliferation. Also called: Immunodeficiency 36; ACTIVATED PI3K-DELTA SYNDROME 2; Activated PI3K Delta Syndrome Type 2 (APDS2). Identifiers: Orphanet 397596, Orphanet 693681, MedGen C4014934, MONDO:0014453, OMIM 616005.
SHORT syndrome. Also called: SHORT STATURE, HYPEREXTENSIBILITY, HERNIA, OCULAR DEPRESSION, RIEGER ANOMALY, AND TEETHING DELAY; LIPODYSTROPHY, PARTIAL, WITH RIEGER ANOMALY AND SHORT STATURE; PIK3R1-Related SHORT Syndrome. Identifiers: Orphanet 3163, MedGen C0878684, MONDO:0010026, OMIM 269880.

Submission:

Labcorp Genetics (formerly Invitae), Labcorp
Classification: Likely pathogenic for SHORT syndrome; Immunodeficiency 36 with lymphoproliferation; Agammaglobulinemia 7, autosomal recessive. Last evaluated: 2024-11-27. Review status: criteria provided, single submitter. Criteria: Invitae Variant Classification Sherloc (09022015). Collection method: clinical testing. Allele origin: germline.
Comment: This sequence change affects a donor splice site in intron 6 of the PIK3R1 gene. It is expected to disrupt RNA splicing. Variants that disrupt the donor or acceptor splice site typically lead to a loss of protein function (PMID: 16199547), and loss-of-function variants in PIK3R1 are known to be pathogenic (PMID: 22351933, 25133428). This variant is not present in population databases (gnomAD no frequency). This variant has not been reported in the literature in individuals affected with PIK3R1-related conditions. Algorithms developed to predict the effect of sequence changes on RNA splicing suggest that this variant may disrupt the consensus splice site. In summary, the currently available evidence indicates that the variant is pathogenic, but additional data are needed to prove that conclusively. Therefore, this variant has been classified as Likely Pathogenic.

Literature cited by the submitters: PubMed 16199547; PubMed 22351933; PubMed 25133428.